The following is an entry in ClinVar:

ClinVar aggregate classification (germline): Uncertain significance (1 of 4 stars; one submission).

Submission:

GeneDx
Classification: Uncertain significance. Last evaluated: 2025-06-11. Review status: criteria provided, single submitter. Criteria: GeneDx Variant Classification Process June 2021. Collection method: clinical testing. Allele origin: germline. Affected: yes.
Comment: Not observed at significant frequency in large population cohorts (gnomAD); In silico analysis supports that this missense variant has a deleterious effect on protein structure/function; Has not been previously published as pathogenic or benign to our knowledge

NM_001130438.3(SPTAN1):c.4981G>A (p.Glu1661Lys)

Gene: SPTAN1 (spectrin alpha, non-erythrocytic 1; plus strand). Cytogenetic location: 9q34.11.
Variant type: single nucleotide variant.
Coding change: c.4981G>A on transcript NM_001130438.3 (MANE Select); coding-DNA position 4981, G replaced by A.
Protein change: p.Glu1661Lys; replaces glutamic acid 1661 with lysine.
Molecular consequence: missense variant.
Genome position (GRCh38, 1-based): chr9:128,612,184, G>A. VCF-style: chr9-128612184-G-A. GRCh37 (hg19) VCF-style: chr9-131374463-G-A.
Other names: c.4981G>A, p.Glu1661Lys (NM_001363759.2, NM_001375310.1, NM_001375311.2 and 1 more transcripts); c.4921G>A, p.Glu1641Lys (NM_001363765.2, NM_001375314.2, NM_001438442.1); c.5017G>A, p.Glu1673Lys (NM_001375312.2, NM_001375318.1, NM_001438440.1); c.4906G>A, p.Glu1636Lys (NM_001438441.1, NM_001438444.1, NM_001195532.2); c.4966G>A, p.Glu1656Lys (NM_001438443.1, NM_001438445.1, NM_003127.4); short protein forms E1636K, E1641K, E1656K, E1661K, E1673K.
Identifiers: ClinVar variation 4538132 (VCV004538132.1).
Genomic context (GRCh38, chr9:128,612,184, plus strand): 5'-TTAGCTGACCAGTGGCAGTTCTTGGTGCAAAAGTCAGCGGAAAAGAGCCAGAAACTGAAA[G>A]AAGCCAACAAGCAGCAGAACTTCAACACAGGGATCAAGGACTTTGACTTCTGGCTGTCTG-3'
Protein context (NP_001123910.1, residues 1651-1671): KSAEKSQKLK[Glu1661Lys]ANKQQNFNTG